The following is an entry in ClinVar:

NM_006017.3(PROM1):c.2056C>A (p.Leu686Ile)

Gene: PROM1 (prominin 1; minus strand). Cytogenetic location: 4p15.32.
Variant type: single nucleotide variant.
Coding change: c.2056C>A on transcript NM_006017.3 (MANE Select); coding-DNA position 2056, C replaced by A.
Protein change: p.Leu686Ile; replaces leucine 686 with isoleucine.
Molecular consequence: missense variant.
Genome position (GRCh38, 1-based): chr4:15,989,752, G>T on the plus strand (C>A on the coding strand, the complement: PROM1 is on the minus strand). VCF-style: chr4-15989752-G-T. GRCh37 (hg19) VCF-style: chr4-15991375-G-T.
Other names: c.2029C>A, p.Leu677Ile (NM_001145847.2, NM_001145848.2, NM_001145851.2 and 4 more transcripts); c.2056C>A, p.Leu686Ile (NM_001145849.2, NM_001145850.2); short protein forms L677I, L686I.
Identifiers: ClinVar variation 3639197 (VCV003639197.2).

ClinVar aggregate classification (germline): Uncertain significance (1 of 4 stars; one submission).

Submission:

Labcorp Genetics (formerly Invitae), Labcorp
Classification: Uncertain significance. Last evaluated: 2024-02-06. Review status: criteria provided, single submitter. Criteria: Invitae Variant Classification Sherloc (09022015). Collection method: clinical testing. Allele origin: germline.
Comment: This sequence change replaces leucine, which is neutral and non-polar, with isoleucine, which is neutral and non-polar, at codon 686 of the PROM1 protein (p.Leu686Ile). This variant is not present in population databases (gnomAD no frequency). This variant has not been reported in the literature in individuals affected with PROM1-related conditions. Advanced modeling of protein sequence and biophysical properties (such as structural, functional, and spatial information, amino acid conservation, physicochemical variation, residue mobility, and thermodynamic stability) performed at Invitae indicates that this missense variant is not expected to disrupt PROM1 protein function with a negative predictive value of 80%. In summary, the available evidence is currently insufficient to determine the role of this variant in disease. Therefore, it has been classified as a Variant of Uncertain Significance.